The following is an entry in ClinVar:

NM_001267550.2(TTN):c.20605G>C (p.Glu6869Gln)

Gene: TTN (titin; minus strand). Cytogenetic location: 2q31.2.
Variant type: single nucleotide variant.
Coding change: c.20605G>C on transcript NM_001267550.2 (MANE Select); coding-DNA position 20605, G replaced by C.
Protein change: p.Glu6869Gln; replaces glutamic acid 6869 with glutamine.
Molecular consequence: missense variant. On other transcripts: intron variant (3).
Genome position (GRCh38, 1-based): chr2:178,725,599, C>G on the plus strand (G>C on the coding strand, the complement: TTN is on the minus strand). VCF-style: chr2-178725599-C-G. GRCh37 (hg19) VCF-style: chr2-179590326-C-G.
Other names: c.19654G>C, p.Glu6552Gln (NM_001256850.1); c.16873G>C, p.Glu5625Gln (NM_133378.4); c.13282+12483G>C (NM_003319.4); c.13858+12483G>C (NM_133437.4); c.13657+12483G>C (NM_133432.3); short protein forms E5625Q, E6869Q, E6552Q.
Identifiers: ClinVar variation 263653 (VCV000263653.3), dbSNP rs746830456, ClinGen allele CA10587511.

ClinVar aggregate classification (germline): Uncertain significance (1 of 4 stars; one submission).

Conditions:
Cardiovascular phenotype. Identifiers: MedGen CN230736.

Submission:

Ambry Genetics
Classification: Uncertain significance for Cardiovascular phenotype. Last evaluated: 2013-07-31. Review status: criteria provided, single submitter. Criteria: Ambry Autosomal Dominant and X-Linked criteria (10/2015). Collection method: clinical testing. Allele origin: germline. Observed: 1 variant allele.
Comment: The p.E5625Q variant (also known as c.16873G>C) is located in coding exon 67 of the TTNgene. This alteration results from a G to C substitution at nucleotide position 16873. The glutamic acid at codon 5625 is replaced by glutamine, an amino acid with highly similar properties.This variant was not reported in population-based cohorts in the following databases: Database of Single Nucleotide Polymorphisms (dbSNP), the 1000 Genomes Project and the NHLBI Exome Sequencing Project (ESP). In the ESP, this variant was not observed in 5962 samples (11924 alleles) with coverage at this position. Based on protein sequence alignment, this amino acid positionis not well conserved in available vertebrate species, with glutamine as the reference amino acid in two species, including chimp. In addition, this alteration is predicted to be benign by PolyPhen analysis.Since supporting evidence is limited at this time, the clinical significance of this variant remains unclear.Ã¢â‚¬â€¹